The following is an entry in ClinVar:

NM_000395.3(CSF2RB):c.1453C>G (p.His485Asp)

Gene: CSF2RB (colony stimulating factor 2 receptor subunit beta; plus strand). Cytogenetic location: 22q12.3.
Variant type: single nucleotide variant.
Coding change: c.1453C>G on transcript NM_000395.3 (MANE Select); coding-DNA position 1453, C replaced by G.
Protein change: p.His485Asp; replaces histidine 485 with aspartic acid.
Molecular consequence: missense variant.
Genome position (GRCh38, 1-based): chr22:36,935,676, C>G. VCF-style: chr22-36935676-C-G. GRCh37 (hg19) VCF-style: chr22-37331718-C-G.
Other names: short protein forms H485D.
Identifiers: ClinVar variation 1412872 (VCV001412872.7), dbSNP rs751920604, ClinGen allele CA10213848.
Genomic context (GRCh38, chr22:36,935,676, plus strand): 5'-GTGGTGTCTTCCAGGCTGCGCAGAAAGTGGGAGGAGAAGATCCCCAACCCCAGCAAGAGC[C>G]ACCTGTTCCAGGTAGGAACTGGCTGCGAGGGGCGGAGTGGGGGCTTCTCTGTTCCTGCCT-3'
Protein context (NP_000386.1, residues 475-495): EEKIPNPSKS[His485Asp]LFQNGSAELW

ClinVar aggregate classification (germline): Conflicting classifications of pathogenicity. Review status: criteria provided, conflicting classifications (1 of 4 stars). 2 submissions from 2 submitters: Uncertain significance (1); Likely benign (1). Last evaluated 2022-07-21.

Allele frequency attached by ClinVar (database versions not stated): gnomAD exomes 0.00001; ExAC 0.00002.
gnomAD v4.1: 2 of 1,614,144 alleles (0.00012%); highest among the groups gnomAD compares: South Asian, 0.0011%; no homozygotes.

Submissions (2):

Labcorp Genetics (formerly Invitae), Labcorp
Classification: Uncertain significance. Last evaluated: 2022-07-21. Review status: criteria provided, single submitter. Criteria: Invitae Variant Classification Sherloc (09022015). Collection method: clinical testing. Allele origin: germline.
Comment: ClinVar contains an entry for this variant (Variation ID: 1412872). This variant has not been reported in the literature in individuals affected with CSF2RB-related conditions. This variant is present in population databases (rs751920604, gnomAD 0.003%). This sequence change replaces histidine, which is basic and polar, with aspartic acid, which is acidic and polar, at codon 485 of the CSF2RB protein (p.His485Asp). In summary, the available evidence is currently insufficient to determine the role of this variant in disease. Therefore, it has been classified as a Variant of Uncertain Significance. Algorithms developed to predict the effect of missense changes on protein structure and function (SIFT, PolyPhen-2, Align-GVGD) all suggest that this variant is likely to be tolerated.

Blueprint Genetics
Classification: Likely benign. Last evaluated: 2021-06-22. Review status: criteria provided, single submitter. Criteria: ACMG Guidelines, 2015. Collection method: clinical testing. Allele origin: germline.